The following is an entry in ClinVar:

NM_000532.5(PCCB):c.588C>G (p.Ile196Met)

Gene: PCCB (propionyl-CoA carboxylase subunit beta; plus strand). Cytogenetic location: 3q22.3.
Variant type: single nucleotide variant.
Coding change: c.588C>G on transcript NM_000532.5 (MANE Select); coding-DNA position 588, C replaced by G.
Protein change: p.Ile196Met; replaces isoleucine 196 with methionine.
Molecular consequence: missense variant.
Genome position (GRCh38, 1-based): chr3:136,283,881, C>G. VCF-style: chr3-136283881-C-G. GRCh37 (hg19) VCF-style: chr3-136002723-C-G.
Other names: c.648C>G, p.Ile216Met (NM_001178014.2); short protein forms I216M, I196M.
Identifiers: ClinVar variation 3670116 (VCV003670116.2).

ClinVar aggregate classification (germline): Uncertain significance (1 of 4 stars; one submission).

Conditions:
Propionic acidemia (PROP). Also called: GLYCINEMIA, KETOTIC; HYPERGLYCINEMIA WITH KETOACIDOSIS AND LEUKOPENIA; KETOTIC HYPERGLYCINEMIA. Identifiers: Orphanet 35, MedGen C0268579, MONDO:0011628, OMIM 606054, HP:0003571.

gnomAD v4.1: 1 of 1,613,886 alleles (0.000062%); highest among the groups gnomAD compares: Non-Finnish European, 0.000085%; no homozygotes.

Submission:

Labcorp Genetics (formerly Invitae), Labcorp
Classification: Uncertain significance for Propionic acidemia. Last evaluated: 2024-04-01. Review status: criteria provided, single submitter. Criteria: Invitae Variant Classification Sherloc (09022015). Collection method: clinical testing. Allele origin: germline.
Comment: This sequence change replaces isoleucine, which is neutral and non-polar, with methionine, which is neutral and non-polar, at codon 196 of the PCCB protein (p.Ile196Met). This variant is not present in population databases (gnomAD no frequency). This variant has not been reported in the literature in individuals affected with PCCB-related conditions. Advanced modeling of protein sequence and biophysical properties (such as structural, functional, and spatial information, amino acid conservation, physicochemical variation, residue mobility, and thermodynamic stability) has been performed at Invitae for this missense variant, however the output from this modeling did not meet the statistical confidence thresholds required to predict the impact of this variant on PCCB protein function. In summary, the available evidence is currently insufficient to determine the role of this variant in disease. Therefore, it has been classified as a Variant of Uncertain Significance.